The following is an entry in ClinVar:

NM_001039213.4(CEACAM16):c.76C>G (p.Leu26Val)

Genes: CEACAM16 (CEA cell adhesion molecule 16, tectorial membrane component; plus strand), CEACAM16-AS1 (CEACAM16, CEACAM19 and PVR antisense RNA 1; minus strand). Cytogenetic location: 19q13.32.
Variant type: single nucleotide variant.
Coding change: c.76C>G on transcript NM_001039213.4 (MANE Select); coding-DNA position 76, C replaced by G.
Protein change: p.Leu26Val; replaces leucine 26 with valine.
Molecular consequence: missense variant.
Genome position (GRCh38, 1-based): chr19:44,703,387, C>G. VCF-style: chr19-44703387-C-G. GRCh37 (hg19) VCF-style: chr19-45206657-C-G.
Other names: short protein forms L26V.
Identifiers: ClinVar variation 1509130 (VCV001509130.8), dbSNP rs778614897, ClinGen allele CA9502941.

ClinVar aggregate classification (germline): Uncertain significance (1 of 4 stars; one submission).

Allele frequency attached by ClinVar (database versions not stated): gnomAD 0.00001; gnomAD exomes 0.00001 and 0.00002; TOPMed 0.00002; ExAC 0.00003.

Submission:

Labcorp Genetics (formerly Invitae), Labcorp
Classification: Uncertain significance. Last evaluated: 2024-07-22. Review status: criteria provided, single submitter. Criteria: Invitae Variant Classification Sherloc (09022015). Collection method: clinical testing. Allele origin: germline.
Comment: This sequence change replaces leucine, which is neutral and non-polar, with valine, which is neutral and non-polar, at codon 26 of the CEACAM16 protein (p.Leu26Val). This variant is present in population databases (rs778614897, gnomAD 0.01%). This variant has not been reported in the literature in individuals affected with CEACAM16-related conditions. ClinVar contains an entry for this variant (Variation ID: 1509130). Advanced modeling of protein sequence and biophysical properties (such as structural, functional, and spatial information, amino acid conservation, physicochemical variation, residue mobility, and thermodynamic stability) performed at Invitae indicates that this missense variant is not expected to disrupt CEACAM16 protein function with a negative predictive value of 80%. In summary, the available evidence is currently insufficient to determine the role of this variant in disease. Therefore, it has been classified as a Variant of Uncertain Significance.